The following is an entry in ClinVar:

ClinVar aggregate classification (germline): Conflicting classifications of pathogenicity. Review status: criteria provided, conflicting classifications (1 of 4 stars). 7 submissions from 7 submitters: Uncertain significance (1); Likely benign (5). 1 of the submissions does not count toward it. Last evaluated 2026-01-19.

Conditions:
Familial dysautonomia. Also called: FD; HSAN III. Identifiers: Orphanet 1764, MedGen C0013364, MONDO:0009131, OMIM 223900. Disease mechanism: loss of function.

Allele frequency attached by ClinVar (database versions not stated): ExAC 0.00003; gnomAD 0.00003 and 0.00004; gnomAD exomes 0.00004 and 0.00005; TOPMed 0.00007.
gnomAD v4.1: 81 of 1,613,690 alleles (0.005%); highest among the groups gnomAD compares: Middle Eastern, 0.15%; no homozygotes.

Submissions (7):

Labcorp Genetics (formerly Invitae), Labcorp
Classification: Likely benign. Last evaluated: 2026-01-19. Review status: criteria provided, single submitter. Criteria: Invitae Variant Classification Sherloc (09022015). Collection method: clinical testing. Allele origin: germline.

CeGaT Center for Human Genetics Tuebingen
Classification: Likely benign. Last evaluated: 2025-05-01. Review status: criteria provided, single submitter. Criteria: CeGaT Center For Human Genetics Tuebingen Variant Classification Criteria Version 2. Collection method: clinical testing. Allele origin: germline. Affected: yes. Observed: 1 variant allele.
Comment: ELP1: BP4, BP7

Ambry Genetics
Classification: Likely benign. Last evaluated: 2025-04-20. Review status: criteria provided, single submitter. Criteria: Ambry Variant Classification Scheme 2023. Collection method: clinical testing. Allele origin: germline.

Blueprint Genetics
Classification: Likely benign. Last evaluated: 2024-06-07. Review status: criteria provided, single submitter. Criteria: ACMG Guidelines, 2015. Collection method: clinical testing. Allele origin: germline.

GeneDx
Classification: Likely benign. Last evaluated: 2021-03-02. Review status: criteria provided, single submitter. Criteria: GeneDx Variant Classification Process June 2021. Collection method: clinical testing. Allele origin: germline. Affected: yes.

Illumina Laboratory Services, Illumina
Classification: Uncertain significance for Familial dysautonomia. Last evaluated: 2018-01-13. Review status: criteria provided, single submitter. Criteria: ICSL Variant Classification Criteria 13 December 2019. Collection method: clinical testing. Allele origin: germline.

Natera, Inc.
Classification: Uncertain significance for Hereditary sensory and autonomic neuropathy type III. Last evaluated: 2020-01-17. Review status: no assertion criteria provided. Collection method: clinical testing. Allele origin: germline. Not counted in ClinVar's aggregate classification.

NM_003640.5(ELP1):c.606G>T (p.Gly202=)

Gene: ELP1 (elongator acetyltransferase complex subunit 1; minus strand). Cytogenetic location: 9q31.3.
Variant type: single nucleotide variant.
Coding change: c.606G>T on transcript NM_003640.5 (MANE Select); coding-DNA position 606, G replaced by T.
Protein change: p.Gly202=; no amino-acid change (glycine 202 retained).
Molecular consequence: synonymous variant. On other transcripts: intron variant (1).
Genome position (GRCh38, 1-based): chr9:108,919,296, C>A on the plus strand (G>T on the coding strand, the complement: ELP1 is on the minus strand). VCF-style: chr9-108919296-C-A. GRCh37 (hg19) VCF-style: chr9-111681576-C-A.
Other names: c.606G>T (LRG_251t1); c.264G>T, p.Gly88= (NM_001318360.2); c.-307-1626G>T (NM_001330749.2).
Identifiers: ClinVar variation 526203 (VCV000526203.29), dbSNP rs768309637, ClinGen allele CA5175297.